The following is an entry in ClinVar:

ClinVar aggregate classification (germline): Uncertain significance (1 of 4 stars; one submission).

Submission:

Labcorp Genetics (formerly Invitae), Labcorp
Classification: Uncertain significance. Last evaluated: 2023-12-07. Review status: criteria provided, single submitter. Criteria: Invitae Variant Classification Sherloc (09022015). Collection method: clinical testing. Allele origin: germline.
Comment: This sequence change replaces alanine, which is neutral and non-polar, with threonine, which is neutral and polar, at codon 324 of the GUCY2C protein (p.Ala324Thr). This variant is not present in population databases (gnomAD no frequency). This variant has not been reported in the literature in individuals affected with GUCY2C-related conditions. ClinVar contains an entry for this variant (Variation ID: 1437524). Advanced modeling of protein sequence and biophysical properties (such as structural, functional, and spatial information, amino acid conservation, physicochemical variation, residue mobility, and thermodynamic stability) performed at Invitae indicates that this missense variant is not expected to disrupt GUCY2C protein function with a negative predictive value of 80%. In summary, the available evidence is currently insufficient to determine the role of this variant in disease. Therefore, it has been classified as a Variant of Uncertain Significance.

NM_004963.4(GUCY2C):c.970G>A (p.Ala324Thr)

Genes: GUCY2C (guanylate cyclase 2C; minus strand), GUCY2C-AS1 (GUCY2C antisense RNA 1; plus strand). Cytogenetic location: 12p12.3.
Variant type: single nucleotide variant.
Coding change: c.970G>A on transcript NM_004963.4 (MANE Select); coding-DNA position 970, G replaced by A.
Protein change: p.Ala324Thr; replaces alanine 324 with threonine.
Molecular consequence: missense variant.
Genome position (GRCh38, 1-based): chr12:14,674,739, C>T on the plus strand (G>A on the coding strand, the complement: GUCY2C is on the minus strand). VCF-style: chr12-14674739-C-T. GRCh37 (hg19) VCF-style: chr12-14827673-C-T.
Other names: short protein forms A324T.
Identifiers: ClinVar variation 1437524 (VCV001437524.8), dbSNP rs2137077338, ClinGen allele CA384001657.
Genomic context (GRCh38, chr12:14,674,739, plus strand): 5'-CTCCATTTTCAAGAAATATCTTCAGCATATGTCCAAAGAGCAGGATTCCATTCAAATAGG[C>T]AAGAGCAAAGTCTCGTTTTGTCTAAATAAAAAAGGAAAATATTAAAACGGGTCCTTCAAA-3'
Protein context (NP_004954.2, residues 314-334): LSPTKRDFAL[Ala324Thr]YLNGILLFGH